The following is an entry in ClinVar:

ClinVar aggregate classification (germline): Likely benign (0 of 4 stars; one submission).

Conditions:
NAGPA-related disorder. Also called: NAGPA-related condition.

Allele frequency attached by ClinVar (database versions not stated): 1000 Genomes Project 0.00040; ExAC 0.00041; 1000 Genomes Project 30x 0.00062; ESP Exome Variant Server 0.00108; gnomAD 0.00116; TOPMed 0.00127.
gnomAD v4.1: 341 of 1,614,160 alleles (0.021%); highest among the groups gnomAD compares: African/African-American, 0.35%; 3 homozygotes.

Submission:

PreventionGenetics, part of Exact Sciences
Classification: Likely benign for NAGPA-related condition. Last evaluated: 2023-07-17. Review status: no assertion criteria provided. Collection method: clinical testing. Allele origin: germline.
Comment: This variant is classified as likely benign based on ACMG/AMP sequence variant interpretation guidelines (Richards et al. 2015 PMID: 25741868, with internal and published modifications).

NM_016256.4(NAGPA):c.641A>G (p.Asn214Ser)

Gene: NAGPA (N-acetylglucosamine-1-phosphodiester alpha-N-acetylglucosaminidase; minus strand). Cytogenetic location: 16p13.3.
Variant type: single nucleotide variant.
Coding change: c.641A>G on transcript NM_016256.4 (MANE Select); coding-DNA position 641, A replaced by G.
Protein change: p.Asn214Ser; replaces asparagine 214 with serine.
Molecular consequence: missense variant.
Genome position (GRCh38, 1-based): chr16:5,031,786, T>C on the plus strand (A>G on the coding strand, the complement: NAGPA is on the minus strand). VCF-style: chr16-5031786-T-C. GRCh37 (hg19) VCF-style: chr16-5081787-T-C.
Other names: short protein forms N214S.
Identifiers: ClinVar variation 3039187 (VCV003039187.2), dbSNP rs140529374, ClinGen allele CA7888771.
Genomic context (GRCh38, chr16:5,031,786, plus strand): 5'-AACAGCCTCCCCATCCAACCTGTCTCCTGTGTCTCGTCACACTCTGTGGCTTGGCTCTCG[T>C]TGATGTAGATGCTTCCATTACGAATCAGCCACACGACCCCACTCAGCAGCTGCACAAATG-3'
Protein context (NP_057340.2, residues 204-224): WLIRNGSIYI[Asn214Ser]ESQATECDET